The following is an entry in ClinVar:

NC_000020.10:g.(?_57466782)_(57485884_?)del

Gene: GNAS (GNAS complex locus; plus strand). Cytogenetic location: 20q13.32.
Variant type: Deletion.
Identifiers: ClinVar variation 2423185 (VCV002423185.4).

ClinVar aggregate classification (germline): Pathogenic (1 of 4 stars; one submission).

Submission:

Labcorp Genetics (formerly Invitae), Labcorp
Classification: Pathogenic. Last evaluated: 2022-11-07. Review status: criteria provided, single submitter. Criteria: Invitae Variant Classification Sherloc (09022015). Collection method: clinical testing. Allele origin: germline.
Comment: For these reasons, this variant has been classified as Pathogenic. Isolated whole-gene deletions of GNAS have not been reported in the literature. However, larger copy number events that include this gene have been reported (PMID: 25594858). A gross deletion of the genomic region encompassing the full coding sequence of the GNAS gene has been identified. Loss-of-function variants in GNAS are known to be pathogenic (PMID: 11784876, 23281139, 23796510, 25802881). The boundaries of this event are unknown as they extend beyond the assayed region for this gene and therefore may encompass additional genes.

Literature cited by the submitters: PubMed 25594858; PubMed 11784876; PubMed 23281139; PubMed 23796510; PubMed 25802881.